The following is an entry in ClinVar:

ClinVar aggregate classification (germline): Uncertain significance (1 of 4 stars; one submission).

Allele frequency attached by ClinVar (database versions not stated): gnomAD exomes 0.00003; gnomAD 0.00042; TOPMed 0.00074; ESP Exome Variant Server 0.00031; ExAC 0.00007; 1000 Genomes Project 30x 0.00031; 1000 Genomes Project 0.00040.

Submission:

Ambry Genetics
Classification: Uncertain significance. Last evaluated: 2026-08-17. Review status: criteria provided, single submitter. Criteria: Ambry Variant Classification Scheme 2023. Collection method: clinical testing. Allele origin: germline.
Comment: The c.3627C>A (p.N1209K) alteration is located in exon 20 (coding exon 20) of the TICRR gene. This alteration results from a C to A substitution at nucleotide position 3627, causing the asparagine (N) at amino acid position 1209 to be replaced by a lysine (K). Based on data from gnomAD, the A allele has an overall frequency of 0.008% (22/281048) total alleles studied. The highest observed frequency was 0.075% (18/24156) of African alleles. Based on insufficient or conflicting evidence, the clinical significance of this alteration remains unclear.

NM_152259.4(TICRR):c.3627C>A (p.Asn1209Lys)

Genes: KIF7 (kinesin family member 7; minus strand), TICRR (TOPBP1 interacting checkpoint and replication regulator; plus strand). Cytogenetic location: 15q26.1.
Variant type: single nucleotide variant.
Coding change: c.3627C>A on transcript NM_152259.4 (MANE Select); coding-DNA position 3627, C replaced by A.
Protein change: p.Asn1209Lys; replaces asparagine 1209 with lysine.
Molecular consequence: missense variant.
Genome position (GRCh38, 1-based): chr15:89,623,937, C>A. VCF-style: chr15-89623937-C-A. GRCh37 (hg19) VCF-style: chr15-90167168-C-A.
Other names: c.3624C>A, p.Asn1208Lys (NM_001308025.1); short protein forms N1208K, N1209K.
Identifiers: ClinVar variation 3177374 (VCV003177374.3), dbSNP rs199746799, ClinGen allele CA7726878.